The following is an entry in ClinVar:

ClinVar aggregate classification (germline): Uncertain significance (1 of 4 stars; one submission).

Conditions:
Diffuse cerebral and cerebellar atrophy - intractable seizures - progressive microcephaly syndrome. Also called: Microcephaly, progressive, with seizures and cerebral and cerebellar atrophy. Identifiers: Orphanet 404437, MedGen C4014239, MONDO:0014335, OMIM 615760.

Submission:

Labcorp Genetics (formerly Invitae), Labcorp
Classification: Uncertain significance for Diffuse cerebral and cerebellar atrophy - intractable seizures - progressive microcephaly syndrome. Last evaluated: 2022-07-09. Review status: criteria provided, single submitter. Criteria: Invitae Variant Classification Sherloc (09022015). Collection method: clinical testing. Allele origin: germline.
Comment: In summary, the available evidence is currently insufficient to determine the role of this variant in disease. Therefore, it has been classified as a Variant of Uncertain Significance. Algorithms developed to predict the effect of sequence changes on RNA splicing suggest that this variant may disrupt the consensus splice site. This variant has not been reported in the literature in individuals affected with QARS-related conditions. This variant is present in population databases (rs759053502, gnomAD 0.003%). This sequence change falls in intron 2 of the QARS gene. It does not directly change the encoded amino acid sequence of the QARS protein.

NM_005051.3(QARS1):c.266-9_266-6del

Gene: QARS1 (glutaminyl-tRNA synthetase 1; minus strand). Cytogenetic location: 3p21.31.
Variant type: Microsatellite.
Coding change: c.266-9_266-6del on transcript NM_005051.3 (MANE Select); 9 bases into the intron before coding-DNA position 266 through 6 bases into the intron before coding-DNA position 266, 4 bases deleted (TCTT; older notation c.266-9_266-6delTCTT).
Molecular consequence: intron variant.
Genome position (GRCh38, 1-based): chr3:49,103,978-49,103,981, AAGA deleted on the plus strand (TCTT on the coding strand, the reverse complement: QARS1 is on the minus strand); deleting any 4 consecutive bases within chr3:49,103,978-49,103,985 gives the same sequence; the c. name uses the placement nearest the transcript's 3' end. VCF-style (leftmost placement, unchanged base first): chr3-49103977-GAAGA-G. GRCh37 (hg19) VCF-style: chr3-49141410-GAAGA-G.
Other names: c.233-9_233-6del (NM_001272073.2).
Identifiers: ClinVar variation 2162015 (VCV002162015.4), dbSNP rs759053502, ClinGen allele CA2392227.